The following is an entry in ClinVar:

NC_000004.11:g.(?_494165)_(494410_?)del

Gene: PIGG (phosphatidylinositol glycan anchor biosynthesis class G (EMM blood group); plus strand). Cytogenetic location: 4p16.3.
Variant type: Deletion.
Identifiers: ClinVar variation 2423739 (VCV002423739.6).

ClinVar aggregate classification (germline): Pathogenic (1 of 4 stars; one submission).

Conditions:
Intellectual disability, autosomal recessive 53 (NEDHSCA). Also called: GLYCOSYLPHOSPHATIDYLINOSITOL BIOSYNTHESIS DEFECT 13; Mental retardation, autosomal recessive 53; NEURODEVELOPMENTAL DISORDER WITH OR WITHOUT HYPOTONIA, SEIZURES, AND CEREBELLAR ATROPHY. Identifiers: Orphanet 488635, MedGen C4310794, MONDO:0014832, OMIM 616917.

Submission:

Labcorp Genetics (formerly Invitae), Labcorp
Classification: Pathogenic for Intellectual disability, autosomal recessive 53. Last evaluated: 2022-05-25. Review status: criteria provided, single submitter. Criteria: Invitae Variant Classification Sherloc (09022015). Collection method: clinical testing. Allele origin: germline.
Comment: This variant is a gross deletion of the genomic region encompassing exon(s) 2 of the PIGG gene. This deletion is out-of-frame, and is expected to create a premature termination codon and result in an absent or disrupted protein product. Loss-of-function variants in PIGG are known to be pathogenic (PMID: 26996948, 28581210, 28771251). This variant has not been reported in the literature in individuals affected with PIGG-related conditions. For these reasons, this variant has been classified as Pathogenic.

Literature cited by the submitters: PubMed 26996948; PubMed 28581210; PubMed 28771251.